The following is an entry in ClinVar:

NM_001148.6(ANK2):c.10253G>A (p.Arg3418Lys)

Gene: ANK2 (ankyrin 2; plus strand). Cytogenetic location: 4q26.
Variant type: single nucleotide variant.
Coding change: c.10253G>A on transcript NM_001148.6 (MANE Select); coding-DNA position 10253, G replaced by A.
Protein change: p.Arg3418Lys; replaces arginine 3418 with lysine.
Molecular consequence: missense variant. On other transcripts: intron variant (68).
Genome position (GRCh38, 1-based): chr4:113,358,871, G>A. VCF-style: chr4-113358871-G-A. GRCh37 (hg19) VCF-style: chr4-114280027-G-A.
Other names: c.10019G>A, p.Arg3340Lys (NM_001386142.1); c.6653G>A, p.Arg2218Lys (NM_001386166.1); c.10394G>A, p.Arg3465Lys (NM_001386174.1); c.10370G>A, p.Arg3457Lys (NM_001386175.1); c.4412-1952G>A (NM_001386186.2, NM_001386148.2); c.4214-1952G>A (NM_001354269.3); c.4292-1952G>A (NM_001386187.2); c.4253-1952G>A (NM_001386147.1); and 35 more; short protein forms R3465K, R3340K, R2218K, R3418K, R3457K.
Identifiers: ClinVar variation 2898387 (VCV002898387.3), dbSNP rs1445119275, ClinGen allele CA357940011.
Genomic context (GRCh38, chr4:113,358,871, plus strand): 5'-ATTCAAAGACCAAATGCCCAGTAAAAACCCGAAGTTACACTGAGACAGAAACAGAGAGCA[G>A]AGAGAGGGCCGAGGAACTTGAGTTAGAATCAGAAGAAGGGGCCACAAGACCAAAGATACT-3'
Protein context (NP_001139.3, residues 3408-3428): RSYTETETES[Arg3418Lys]ERAEELELES

ClinVar aggregate classification (germline): Uncertain significance (1 of 4 stars; one submission).

Conditions:
Long QT syndrome (LQTS). Identifiers: MedGen C0023976, MeSH D008133, MONDO:0002442. Disease mechanism: loss of function. Inheritance: Various modes of inheritance.

Allele frequency attached by ClinVar (database versions not stated): gnomAD exomes below 0.00001; TOPMed below 0.00001.
gnomAD v4.1: 1 of 1,614,086 alleles (0.000062%); highest among the groups gnomAD compares: Admixed American, 0.0017%; no homozygotes.

Submission:

Labcorp Genetics (formerly Invitae), Labcorp
Classification: Uncertain significance for Long QT syndrome. Last evaluated: 2025-01-06. Review status: criteria provided, single submitter. Criteria: Invitae Variant Classification Sherloc (09022015). Collection method: clinical testing. Allele origin: germline.
Comment: This sequence change replaces arginine, which is basic and polar, with lysine, which is basic and polar, at codon 3418 of the ANK2 protein (p.Arg3418Lys). This variant is present in population databases (no rsID available, gnomAD 0.003%). This variant has not been reported in the literature in individuals affected with ANK2-related conditions. ClinVar contains an entry for this variant (Variation ID: 2898387). An algorithm developed to predict the effect of missense changes on protein structure and function (PolyPhen-2) suggests that this variant is likely to be tolerated. In summary, the available evidence is currently insufficient to determine the role of this variant in disease. Therefore, it has been classified as a Variant of Uncertain Significance.